The following is an entry in ClinVar:

NM_001267550.2(TTN):c.107653A>G (p.Ser35885Gly)

Genes: TTN (titin; minus strand), TTN-AS1 (TTN antisense RNA 1; plus strand). Cytogenetic location: 2q31.2.
Variant type: single nucleotide variant.
Coding change: c.107653A>G on transcript NM_001267550.2 (MANE Select); coding-DNA position 107653, A replaced by G.
Protein change: p.Ser35885Gly; replaces serine 35885 with glycine.
Molecular consequence: missense variant.
Genome position (GRCh38, 1-based): chr2:178,527,473, T>C on the plus strand (A>G on the coding strand, the complement: TTN is on the minus strand). VCF-style: chr2-178527473-T-C. GRCh37 (hg19) VCF-style: chr2-179392200-T-C.
Other names: c.102730A>G, p.Ser34244Gly (NM_001256850.1); c.80458A>G, p.Ser26820Gly (NM_003319.4); c.99949A>G, p.Ser33317Gly (NM_133378.4); c.80833A>G, p.Ser26945Gly (NM_133432.3); c.81034A>G, p.Ser27012Gly (NM_133437.4); short protein forms S35885G, S34244G, S26820G, S26945G, S27012G, S33317G.
Identifiers: ClinVar variation 2007817 (VCV002007817.4), dbSNP rs2468245022, ClinGen allele CA349399800.

ClinVar aggregate classification (germline): Uncertain significance (1 of 4 stars; one submission).

Conditions:
Dilated cardiomyopathy 1G (CMD1G). Identifiers: Orphanet 154, MedGen C1858763, MONDO:0011400, OMIM 604145.
Autosomal recessive limb-girdle muscular dystrophy type 2J (LGMDR10). Also called: Limb-girdle muscular dystrophy, type 2J; MUSCULAR DYSTROPHY, LIMB-GIRDLE, AUTOSOMAL RECESSIVE 10. Identifiers: Orphanet 140922, MedGen C1837342, MONDO:0012127, OMIM 608807.

Submission:

Labcorp Genetics (formerly Invitae), Labcorp
Classification: Uncertain significance for Dilated cardiomyopathy 1G; Autosomal recessive limb-girdle muscular dystrophy type 2J. Last evaluated: 2022-06-18. Review status: criteria provided, single submitter. Criteria: Invitae Variant Classification Sherloc (09022015). Collection method: clinical testing. Allele origin: germline.
Comment: This sequence change replaces serine, which is neutral and polar, with glycine, which is neutral and non-polar, at codon 35885 of the TTN protein (p.Ser35885Gly). This variant is not present in population databases (gnomAD no frequency). This variant has not been reported in the literature in individuals affected with TTN-related conditions. Experimental studies and prediction algorithms are not available or were not evaluated, and the functional significance of this variant is currently unknown. In summary, the available evidence is currently insufficient to determine the role of this variant in disease. Therefore, it has been classified as a Variant of Uncertain Significance. This variant is located in the M band of TTN (PMID: 25589632). Variants in this region may be relevant for neuromuscular disorders, but have not been definitively shown to cause cardiomyopathy (PMID: 23975875).

Literature cited by the submitters: PubMed 25589632; PubMed 23975875.